The following is an entry in ClinVar:

NM_001167.4(XIAP):c.985del (p.Tyr329fs)

Gene: XIAP (X-linked inhibitor of apoptosis; plus strand). Cytogenetic location: Xq25.
Variant type: Deletion.
Coding change: c.985del on transcript NM_001167.4 (MANE Select); coding-DNA position 985, one base deleted (T; older notation c.985delT).
Protein change: p.Tyr329fs; shifts the reading frame from tyrosine 329.
Molecular consequence: frameshift variant. On other transcripts: non-coding transcript variant (2).
Genome position (GRCh38, 1-based): chrX:123,891,245, T deleted. VCF-style (leftmost placement, unchanged base first): chrX-123891244-AT-A. GRCh37 (hg19) VCF-style: chrX-123025094-AT-A.
Other names: c.985del, p.Tyr329fs (NM_001204401.2, NM_001378590.1, NM_001378591.1 and 1 more transcripts); c.985delT (NM_001167.4); short protein forms Y329fs.
Identifiers: ClinVar variation 3068635 (VCV003068635.2), dbSNP rs2522596299, ClinGen allele CA2573102967.
Genomic context (GRCh38, chrX:123,891,244, plus strand): 5'-GCTTATACTTCACTAATTTATCAGCTACTAAAGTTTAATCTTTTAATTGTTTAGGTGCAA[AT>A]ATCTGTTAGAACAGAAGGGACAAGAATATATAAACAATATTCATTTAACTCATTCACTTG-3'

ClinVar aggregate classification (germline): Pathogenic. Review status: criteria provided, multiple submitters, no conflicts (2 of 4 stars). 2 submissions from 2 submitters: Pathogenic (2). Last evaluated 2023-03-30.

Conditions:
X-linked lymphoproliferative disease due to XIAP deficiency. Also called: XIAP DEFICIENCY; XIAP-Related Lymphoproliferative Disease, X-Linked. Identifiers: Orphanet 2442, Orphanet 538934, MedGen C1845076, MONDO:0010385, OMIM 300635.

Submissions (2):

Molecular Genetics, Royal Melbourne Hospital
Classification: Pathogenic for X-linked lymphoproliferative disease due to XIAP deficiency. Last evaluated: 2023-03-30. Review status: criteria provided, single submitter. Criteria: ACMG Guidelines, 2015. Collection method: clinical testing. Allele origin: germline. Affected: yes.
Comment: This sequence change in XIAP is a frameshift variant predicted to cause a premature stop codon, p.(Tyr329Ilefs*3), in biologically relevant exon 4/7 leading to nonsense-mediated decay in a gene in which loss-of-function is an established disease mechanism (ClinGen). This variant is absent from gnomAD v2.1 and v3.1. To our knowledge, this variant has not been reported in the literature in any individuals with XIAP-related disease. Based on the classification scheme RMH Modified ACMG Guidelines v1.5.1, this variant is classified as PATHOGENIC. Following criteria are met: PVS1, PM2_Supporting, PP4.

Victorian Clinical Genetics Services, Murdoch Childrens Research Institute
Classification: Pathogenic for X-linked lymphoproliferative disease due to XIAP deficiency. Last evaluated: 2022-03-31. Review status: criteria provided, single submitter. Criteria: ACMG Guidelines, 2015. Collection method: clinical testing. Allele origin: germline. Inheritance: X-linked recessive inheritance.
Comment: Based on the classification scheme VCGS_Germline_v1.3.4, this variant is classified as Pathogenic. Following criteria are met: 0102 - Loss of function is a known mechanism of disease in this gene and is associated with lymphoproliferative syndrome (MIM#300635). (I) 0108 - This gene is associated with both recessive and dominant disease. Female carriers may have symptoms depending on levels of X-inactivation, hemizygote males are affected (OMIM; PMID: 25943627). (I) 0115 - Variants in this gene are known to have variable expressivity. This is a highly variable phenotype and some female carries may have milder manifestations (OMIM). (I) 0201 - Variant is predicted to cause nonsense-mediated decay (NMD) and loss of protein (premature termination codon is located at least 54 nucleotides upstream of the final exon-exon junction). (SP) 0251 - This variant is heterozygous. (I) 0301 - Variant is absent from gnomAD (both v2 and v3). (SP) 0701 - Other variants predicted to cause NMD comparable to the one identified in this case have very strong previous evidence for pathogenicity (DECIPHER). (SP) 0807 - This variant has no previous evidence of pathogenicity. (I) 0905 - No published segregation evidence has been identified for this variant. (I) 1007 - No published functional evidence has been identified for this variant. (I) 1208 - Inheritance information for this variant is not currently available in this individual. (I) Legend: (SP) - Supporting pathogenic, (I) - Information, (SB) - Supporting benign

Literature cited by the submitters: PubMed 25943627 (cited by Victorian Clinical Genetics Services, Murdoch Childrens Research Institute).